The following is an entry in ClinVar:

NM_001909.5(CTSD):c.204C>T (p.Pro68=)

Genes: PRADX (PRC2 and DDX5 associated lncRNA; plus strand), CTSD (cathepsin D; minus strand). Cytogenetic location: 11p15.5.
Variant type: single nucleotide variant.
Coding change: c.204C>T on transcript NM_001909.5 (MANE Select); coding-DNA position 204, C replaced by T.
Protein change: p.Pro68=; no amino-acid change (proline 68 retained).
Molecular consequence: synonymous variant.
Genome position (GRCh38, 1-based): chr11:1,761,333, G>A on the plus strand (C>T on the coding strand, the complement: CTSD is on the minus strand). VCF-style: chr11-1761333-G-A. GRCh37 (hg19) VCF-style: chr11-1782563-G-A.
Other names: c.204C>T (NM_001909.4).
Identifiers: ClinVar variation 1142613 (VCV001142613.11), dbSNP rs563052262, ClinGen allele CA5814269.

ClinVar aggregate classification (germline): Likely benign. Review status: criteria provided, single submitter (1 of 4 stars). 2 submissions from 2 submitters: Likely benign (1). 1 of the submissions does not count toward it. Last evaluated 2025-10-29.

Conditions:
Neuronal ceroid lipofuscinosis. Also called: Neuronal Ceroid Lipofuscinoses. Identifiers: Orphanet 216, Orphanet 79263, MedGen C0027877, MONDO:0016295. Disease mechanism: loss of function.
CTSD-related disorder. Also called: CTSD-related condition.

Allele frequency attached by ClinVar (database versions not stated): gnomAD 0.00001 and 0.00003; ExAC 0.00002; gnomAD exomes 0.00002.
gnomAD v4.1: 17 of 1,613,848 alleles (0.0011%); highest among the groups gnomAD compares: Middle Eastern, 0.033%; no homozygotes.

Submissions (2):

Labcorp Genetics (formerly Invitae), Labcorp
Classification: Likely benign for Neuronal ceroid lipofuscinosis. Last evaluated: 2025-10-29. Review status: criteria provided, single submitter. Criteria: Invitae Variant Classification Sherloc (09022015). Collection method: clinical testing. Allele origin: germline.

PreventionGenetics, part of Exact Sciences
Classification: Likely benign for CTSD-related condition. Last evaluated: 2019-02-21. Review status: no assertion criteria provided. Collection method: clinical testing. Allele origin: germline. Not counted in ClinVar's aggregate classification.
Comment: This variant is classified as likely benign based on ACMG/AMP sequence variant interpretation guidelines (Richards et al. 2015 PMID: 25741868, with internal and published modifications).